The following is an entry in ClinVar:

ClinVar aggregate classification (germline): Likely pathogenic (1 of 4 stars; one submission).

Submission:

Quest Diagnostics Nichols Institute San Juan Capistrano
Classification: Likely pathogenic. Last evaluated: 2021-10-11. Review status: criteria provided, single submitter. Criteria: ACMG/ClinGen CNV Guidelines, 2019. Collection method: clinical testing. Allele origin: unknown.
Comment: The copy number loss of 22q11.21 involves multiple coding genes, including CRKL (OMIM 602007), and overlaps the 22q11.2 central deletion (LCR C-D) syndrome. Evidence is emerging that deletion of this region is associated with a variable clinical phenotype that may include: dysmorphic facial features, growth delay, CNS anomalies/seizures, developmental delay (including language delay), intellectual disability, psychiatric/behavioral problems, skeletal anomalies, genitourinary anomalies, and immune deficiency/recurrent infections. Parental testing has shown 21/35 (60%) deletions represent de novo events (Burnside RD, Cytogenet Genome Res. 2015;146(2):89-99. PMID: 26278718; Rump et al., Am J Med Genet A. 2014 Nov;164A(11):2707-23. PMID: 25123976). Congenital heart defects (14%) have also been reported but appear to be less common than in individuals with proximal deletions. The majority of these deletions are inherited, sometimes from a parent with a similar phenotype, and sometimes from an unaffected parent, suggesting incomplete penetrance and variable expressivity. While there are multiple copy number losses which cover the majority of this region in the general populations of the Database of Genomic Variants, a single study demonstrates enrichment of the LCR C-D deletion in patients with congenital kidney and urinary tract anomalies compared to controls (Lopez-Rivera et al., N Engl J Med. 2017 Feb23;376(8):742-754. PMID: 28121514). Additionally, observations in mouse models have led to the hypothesis that haploinsufficiency of CRKL contributes to the 22q11.2 phenotype, particularly with cardiovascular and genitourinary defects (PMID:16399079; 28121514). However, there are limited number of reported variants affecting the CRKL gene (Racedo, et al., Am J Hum Genet. 2015 Feb 5;96(2):235-44. PMID: 25658046). Thus, based on literature review and gene content, this copy number loss is interpreted as likely pathogenic.

GRCh37/hg19 22q11.21(chr22:21092648-21465662)x1

Genes: AIFM3 (AIF family member 3; plus strand), CRKL (CRK like proto-oncogene, adaptor protein; plus strand), LZTR1 (leucine zipper like post translational regulator 1; plus strand), P2RX6 (purinergic receptor P2X 6; plus strand), PI4KA (phosphatidylinositol 4-kinase alpha; minus strand) and 4 more. Cytogenetic location: 22q11.21.
Variant type: copy number loss.
Change: copy number 1 (one copy instead of two) of chr22:21,092,648-21,465,662 (373.0 kb, GRCh37 coordinates, 1-based), cytogenetic band 22q11.21.
Identifiers: ClinVar variation 1807784 (VCV001807784.1).